The following is an entry in ClinVar:

NC_012920.1(MT-ATP6):m.8986A>G

Gene: MT-ATP6 (mitochondrially encoded ATP synthase 6; plus strand).
Variant type: single nucleotide variant.
Genome position: chrM-8986-A-G.
Identifiers: ClinVar variation 693044 (VCV000693044.1), dbSNP rs1603221956, ClinGen allele CA414801761.

ClinVar aggregate classification (germline): Likely benign (1 of 4 stars; one submission).

Conditions:
Leigh syndrome (NULS). Also called: Leigh's necrotizing encephalopathy; Leigh's disease; Leigh Syndrome (mtDNA deletion); Leigh Disease; Subacute necrotizing encephalopathy; Necrotizing encephalopathy infantile subacute of Leigh. Identifiers: Orphanet 506, MedGen C2931891, MONDO:0009723, OMIM 256000.

Submission:

Wong Mito Lab, Molecular and Human Genetics, Baylor College of Medicine
Classification: Likely benign for Leigh syndrome. Last evaluated: 2019-10-17. Review status: criteria provided, single submitter. Criteria: Modified ACMG Guidelines (Unpublished). Collection method: clinical testing. Allele origin: germline.
Comment: The NC_012920.1:m.8986A>G (YP_003024031.1:p.Met154Val) variant in MTATP6 gene is interpretated to be a Likely Benign variant based on the modified ACMG guidelines (unpublished). This variant meets the following evidence codes: BS1, BP4